The following is an entry in ClinVar:

NM_152393.4(KLHL40):c.1196C>T (p.Pro399Leu)

Gene: KLHL40 (kelch like family member 40; plus strand). Cytogenetic location: 3p22.1.
Variant type: single nucleotide variant.
Coding change: c.1196C>T on transcript NM_152393.4 (MANE Select); coding-DNA position 1196, C replaced by T.
Protein change: p.Pro399Leu; replaces proline 399 with leucine.
Molecular consequence: missense variant.
Genome position (GRCh38, 1-based): chr3:42,688,185, C>T. VCF-style: chr3-42688185-C-T. GRCh37 (hg19) VCF-style: chr3-42729677-C-T.
Other names: short protein forms P399L.
Identifiers: ClinVar variation 1374803 (VCV001374803.6), dbSNP rs770413516, ClinGen allele CA2336854.

ClinVar aggregate classification (germline): Uncertain significance (1 of 4 stars; one submission).

Conditions:
Nemaline myopathy 8 (NEM8). Also called: Nemaline myopathy 8, autosomal recessive. Identifiers: Orphanet 171430, MedGen C3809209, MONDO:0014138, OMIM 615348.

Allele frequency attached by ClinVar (database versions not stated): gnomAD exomes below 0.00001 and 0.00001; ExAC 0.00001.
gnomAD v4.1: 2 of 1,613,806 alleles (0.00012%); highest among the groups gnomAD compares: Non-Finnish European, 0.00017%; no homozygotes.

Submission:

Labcorp Genetics (formerly Invitae), Labcorp
Classification: Uncertain significance for Nemaline myopathy 8. Last evaluated: 2022-03-02. Review status: criteria provided, single submitter. Criteria: Invitae Variant Classification Sherloc (09022015). Collection method: clinical testing. Allele origin: germline.
Comment: In summary, the available evidence is currently insufficient to determine the role of this variant in disease. Therefore, it has been classified as a Variant of Uncertain Significance. Algorithms developed to predict the effect of missense changes on protein structure and function are either unavailable or do not agree on the potential impact of this missense change (SIFT: "Deleterious"; PolyPhen-2: "Benign"; Align-GVGD: "Class C0"). This variant has not been reported in the literature in individuals affected with KLHL40-related conditions. This variant is present in population databases (rs770413516, gnomAD 0.002%). This sequence change replaces proline, which is neutral and non-polar, with leucine, which is neutral and non-polar, at codon 399 of the KLHL40 protein (p.Pro399Leu).